The following is an entry in ClinVar:

ClinVar aggregate classification (germline): Uncertain significance (1 of 4 stars; one submission).

Submission:

Labcorp Genetics (formerly Invitae), Labcorp
Classification: Uncertain significance. Last evaluated: 2022-06-13. Review status: criteria provided, single submitter. Criteria: Invitae Variant Classification Sherloc (09022015). Collection method: clinical testing. Allele origin: germline.
Comment: In summary, the available evidence is currently insufficient to determine the role of this variant in disease. Therefore, it has been classified as a Variant of Uncertain Significance. Algorithms developed to predict the effect of missense changes on protein structure and function are either unavailable or do not agree on the potential impact of this missense change (SIFT: "Not Available"; PolyPhen-2: "Benign"; Align-GVGD: "Not Available"). This variant has not been reported in the literature in individuals affected with CEP250-related conditions. This variant is not present in population databases (gnomAD no frequency). This sequence change replaces methionine, which is neutral and non-polar, with isoleucine, which is neutral and non-polar, at codon 2195 of the CEP250 protein (p.Met2195Ile).

NM_007186.6(CEP250):c.6585G>A (p.Met2195Ile)

Gene: CEP250 (centrosomal protein 250; plus strand). Cytogenetic location: 20q11.22.
Variant type: single nucleotide variant.
Coding change: c.6585G>A on transcript NM_007186.6 (MANE Select); coding-DNA position 6585, G replaced by A.
Protein change: p.Met2195Ile; replaces methionine 2195 with isoleucine.
Molecular consequence: missense variant.
Genome position (GRCh38, 1-based): chr20:35,504,954, G>A. VCF-style: chr20-35504954-G-A. GRCh37 (hg19) VCF-style: chr20-34092782-G-A.
Other names: c.4689G>A, p.Met1563Ile (NM_001318219.1); short protein forms M2195I, M1563I.
Identifiers: ClinVar variation 1472065 (VCV001472065.8), dbSNP rs2147180433, ClinGen allele CA408757533.